The following is an entry in ClinVar:

ClinVar aggregate classification (germline): Pathogenic (3 of 4 stars; one submission).

Conditions:
Breast-ovarian cancer, familial, susceptibility to, 1 (BROVCA1). Also called: BRCA1 Hereditary Breast and Ovarian Cancer; OVARIAN CANCER, SUSCEPTIBILITY TO. Identifiers: Orphanet 145, MedGen C2676676, MONDO:0011450, OMIM 604370. Disease mechanism: loss of function.

Submission:

Evidence-based Network for the Interpretation of Germline Mutant Alleles (ENIGMA)
Classification: Pathogenic for Breast-ovarian cancer, familial, susceptibility to, 1. Last evaluated: 2017-12-15. Review status: reviewed by expert panel. Criteria: ENIGMA BRCA1/2 Classification Criteria (2017-06-29). Collection method: curation. Allele origin: germline. Study: ENIGMA.
Comment: Variant allele predicted to encode a truncated non-functional protein.

NM_007294.4(BRCA1):c.1894_1895insT (p.Ser632fs)

Gene: BRCA1 (BRCA1 DNA repair associated; minus strand). Cytogenetic location: 17q21.31.
Variant type: Insertion.
Coding change: c.1894_1895insT on transcript NM_007294.4 (MANE Select); coding-DNA positions 1894 to 1895, T inserted.
Protein change: p.Ser632fs; shifts the reading frame from serine 632.
Molecular consequence: frameshift variant. On other transcripts: intron variant (137).
Genome position: GRCh38 VCF-style: chr17-43093636-C-CA. GRCh37 (hg19) VCF-style: chr17-41245653-C-CA.
Other names: c.784+1107_784+1108insT (NM_001408392.1, NM_001407986.1, NM_001407972.1 and 13 more transcripts); c.664+1107_664+1108insT (NM_001408441.1, NM_001408437.1, NM_001408429.1 and 12 more transcripts); c.787+1107_787+1108insT (NM_001407979.1, NM_001407977.1, NM_001407982.1 and 19 more transcripts); c.646+1107_646+1108insT (NM_001408410.1, NM_001408458.1, NM_001408469.1 and 11 more transcripts); c.709+1107_709+1108insT (NM_001408415.1, NM_001408412.1, NM_001408409.1 and 2 more transcripts); c.577+1107_577+1108insT (NM_001408483.1, NM_001408481.1, NM_001408480.1 and 9 more transcripts); c.1891_1892insT, p.Ser631fs (NM_001407610.1, NM_001407611.1, NM_001407612.1 and 22 more transcripts); c.1894_1895insT, p.Ser632fs (NM_001407616.1, NM_001407617.1, NM_001407618.1 and 30 more transcripts); and 40 more; short protein forms S585fs, S632fs, S336fs, S504fs, S520fs, S564fs, S631fs, S505fs.
Identifiers: ClinVar variation 548259 (VCV000548259.2), dbSNP rs1555590964, ClinGen allele CA658824507.